The following is an entry in ClinVar:

NM_005633.4(SOS1):c.1589C>T (p.Ser530Leu)

Gene: SOS1 (SOS Ras/Rac guanine nucleotide exchange factor 1; minus strand). Cytogenetic location: 2p22.1.
Variant type: single nucleotide variant.
Coding change: c.1589C>T on transcript NM_005633.4 (MANE Select); coding-DNA position 1589, C replaced by T.
Protein change: p.Ser530Leu; replaces serine 530 with leucine.
Molecular consequence: missense variant.
Genome position (GRCh38, 1-based): chr2:39,022,839, G>A on the plus strand (C>T on the coding strand, the complement: SOS1 is on the minus strand). VCF-style: chr2-39022839-G-A. GRCh37 (hg19) VCF-style: chr2-39249980-G-A.
Other names: c.1568C>T, p.Ser523Leu (NM_001382394.1); c.1589C>T, p.Ser530Leu (NM_001382395.1); short protein forms S530L, S523L.
Identifiers: ClinVar variation 2709231 (VCV002709231.3), dbSNP rs2529036000, ClinGen allele CA346365823.

ClinVar aggregate classification (germline): Uncertain significance (1 of 4 stars; one submission).

Conditions:
RASopathy. Also called: rasopathies; Noonan spectrum disorder. Identifiers: Orphanet 536391, MedGen C5555857, MONDO:0021060.

Submission:

Labcorp Genetics (formerly Invitae), Labcorp
Classification: Uncertain significance for RASopathy. Last evaluated: 2024-01-13. Review status: criteria provided, single submitter. Criteria: Invitae Variant Classification Sherloc (09022015). Collection method: clinical testing. Allele origin: germline.
Comment: This sequence change replaces serine, which is neutral and polar, with leucine, which is neutral and non-polar, at codon 530 of the SOS1 protein (p.Ser530Leu). This variant is not present in population databases (gnomAD no frequency). This variant has not been reported in the literature in individuals affected with SOS1-related conditions. Advanced modeling of protein sequence and biophysical properties (such as structural, functional, and spatial information, amino acid conservation, physicochemical variation, residue mobility, and thermodynamic stability) performed at Invitae indicates that this missense variant is expected to disrupt SOS1 protein function with a positive predictive value of 95%. In summary, the available evidence is currently insufficient to determine the role of this variant in disease. Therefore, it has been classified as a Variant of Uncertain Significance.